The following is an entry in ClinVar:

NM_001371279.1(REEP1):c.538G>A (p.Gly180Ser)

Gene: REEP1 (receptor accessory protein 1; minus strand). Cytogenetic location: 2p11.2.
Variant type: single nucleotide variant.
Coding change: c.538G>A on transcript NM_001371279.1 (MANE Select); coding-DNA position 538, G replaced by A.
Protein change: p.Gly180Ser; replaces glycine 180 with serine.
Molecular consequence: missense variant. On other transcripts: synonymous variant (1), intron variant (1).
Genome position (GRCh38, 1-based): chr2:86,232,682, C>T on the plus strand (G>A on the coding strand, the complement: REEP1 is on the minus strand). VCF-style: chr2-86232682-C-T. GRCh37 (hg19) VCF-style: chr2-86459805-C-T.
Other names: c.559G>A, p.Gly187Ser (NM_001164730.2); c.457G>A, p.Gly153Ser (NM_001164731.2); c.303G>A, p.Ala101= (NM_001164732.2); c.538G>A, p.Gly180Ser (NM_022912.3); c.418-15572G>A (NM_001371280.1); c.538G>A (NM_022912.2); short protein forms G187S, G153S, G180S.
Identifiers: ClinVar variation 1491572 (VCV001491572.7), dbSNP rs748917788, ClinGen allele CA1748690.

ClinVar aggregate classification (germline): Uncertain significance. Review status: criteria provided, multiple submitters, no conflicts (2 of 4 stars). 2 submissions from 2 submitters: Uncertain significance (2). Last evaluated 2025-09-25.

Conditions:
Inborn genetic diseases. Identifiers: MedGen C0950123, MeSH D030342.
Hereditary spastic paraplegia 31. Also called: SPASTIC PARAPLEGIA 31, AUTOSOMAL DOMINANT. Identifiers: Orphanet 101011, MedGen C1853247, MONDO:0012453, OMIM 610250.

Allele frequency attached by ClinVar (database versions not stated): ExAC 0.00001; gnomAD 0.00001; gnomAD exomes 0.00001 and 0.00002.
gnomAD v4.1: 13 of 1,612,138 alleles (0.00081%); highest among the groups gnomAD compares: South Asian, 0.0011%; no homozygotes.

Submissions (2):

Ambry Genetics
Classification: Uncertain significance for Inborn genetic diseases. Last evaluated: 2025-09-25. Review status: criteria provided, single submitter. Criteria: Ambry Variant Classification Scheme 2023. Collection method: clinical testing. Allele origin: germline.

Labcorp Genetics (formerly Invitae), Labcorp
Classification: Uncertain significance for Hereditary spastic paraplegia 31. Last evaluated: 2023-07-25. Review status: criteria provided, single submitter. Criteria: Invitae Variant Classification Sherloc (09022015). Collection method: clinical testing. Allele origin: germline.
Comment: In summary, the available evidence is currently insufficient to determine the role of this variant in disease. Therefore, it has been classified as a Variant of Uncertain Significance. Algorithms developed to predict the effect of missense changes on protein structure and function output the following: SIFT: "Not Available"; PolyPhen-2: "Probably Damaging"; Align-GVGD: "Not Available". The serine amino acid residue is found in multiple mammalian species, which suggests that this missense change does not adversely affect protein function. ClinVar contains an entry for this variant (Variation ID: 1491572). This variant has not been reported in the literature in individuals affected with REEP1-related conditions. This variant is present in population databases (rs748917788, gnomAD 0.003%). This sequence change replaces glycine, which is neutral and non-polar, with serine, which is neutral and polar, at codon 180 of the REEP1 protein (p.Gly180Ser).